The following is an entry in ClinVar:

ClinVar aggregate classification (germline): Uncertain significance (1 of 4 stars; one submission).

Conditions:
Hereditary spastic paraplegia 7 (SPG7). Also called: SPG7-related neurologic disorder; Autosomal recessive spastic paraplegia type 7; Spastic paraplegia 7; Hereditary spastic paraplegia Paraplegin type; SPASTIC PARAPLEGIA 7, AUTOSOMAL RECESSIVE, WITH OR WITHOUT CEREBELLAR ATAXIA. Identifiers: Orphanet 99013, MedGen C1846564, MONDO:0011803, OMIM 607259.

Submission:

Labcorp Genetics (formerly Invitae), Labcorp
Classification: Uncertain significance for Hereditary spastic paraplegia 7. Last evaluated: 2022-06-14. Review status: criteria provided, single submitter. Criteria: Invitae Variant Classification Sherloc (09022015). Collection method: clinical testing. Allele origin: germline.
Comment: This variant is not present in population databases (gnomAD no frequency). In summary, the available evidence is currently insufficient to determine the role of this variant in disease. Therefore, it has been classified as a Variant of Uncertain Significance. Advanced modeling of protein sequence and biophysical properties (such as structural, functional, and spatial information, amino acid conservation, physicochemical variation, residue mobility, and thermodynamic stability) performed at Invitae indicates that this missense variant is not expected to disrupt SPG7 protein function. This variant has not been reported in the literature in individuals affected with SPG7-related conditions. This sequence change replaces proline, which is neutral and non-polar, with glutamine, which is neutral and polar, at codon 27 of the SPG7 protein (p.Pro27Gln).

NM_003119.4(SPG7):c.80C>A (p.Pro27Gln)

Genes: SPG7 (SPG7 matrix AAA peptidase subunit, paraplegin; plus strand), LOC130059818 (ATAC-STARR-seq lymphoblastoid silent region 7911; plus strand). Cytogenetic location: 16q24.3.
Variant type: single nucleotide variant.
Coding change: c.80C>A on transcript NM_003119.4 (MANE Select); coding-DNA position 80, C replaced by A.
Protein change: p.Pro27Gln; replaces proline 27 with glutamine.
Molecular consequence: missense variant.
Genome position (GRCh38, 1-based): chr16:89,508,497, C>A. VCF-style: chr16-89508497-C-A. GRCh37 (hg19) VCF-style: chr16-89574905-C-A.
Other names: c.80C>A, p.Pro27Gln (NM_001363850.1, NM_199367.3); short protein forms P27Q.
Identifiers: ClinVar variation 1926899 (VCV001926899.5), dbSNP rs878854605, ClinGen allele CA397415945.
Genomic context (GRCh38, chr16:89,508,497, plus strand): 5'-TGCTCCGTGCCCTCCGCCGGGGTCCAGGCCCGGGTCCTCGGCCGCTGTGGGGCCCAGGCC[C>A]GGCCTGGAGTCCAGGGTTCCCCGCCAGGCCCGGGAGGGGGCGGCCGTACATGGCCAGCAG-3'
Protein context (NP_003110.1, residues 17-37): PGPRPLWGPG[Pro27Gln]AWSPGFPARP